The following is an entry in ClinVar:

ClinVar aggregate classification (germline): Uncertain significance. Review status: criteria provided, multiple submitters, no conflicts (2 of 4 stars). 3 submissions from 3 submitters: Uncertain significance (3). Last evaluated 2025-01-11.

Conditions:
Baller-Gerold syndrome (BGS). Also called: CRANIOSYNOSTOSIS WITH RADIAL DEFECTS. Identifiers: Orphanet 1225, MedGen C0265308, MONDO:0009039, OMIM 218600.
Inborn genetic diseases. Identifiers: MedGen C0950123, MeSH D030342.

Allele frequency attached by ClinVar (database versions not stated): gnomAD 0.00001 and 0.00002; TOPMed 0.00001; gnomAD exomes 0.00003; ExAC 0.00005.

Submissions (3):

Ambry Genetics
Classification: Uncertain significance for Inborn genetic diseases. Last evaluated: 2025-01-11. Review status: criteria provided, single submitter. Criteria: Ambry Variant Classification Scheme 2023. Collection method: clinical testing. Allele origin: germline.
Comment: The p.K376N variant (also known as c.1128G>C), located in coding exon 5 of the RECQL4 gene, results from a G to C substitution at nucleotide position 1128. The lysine at codon 376 is replaced by asparagine, an amino acid with similar properties. This amino acid position is conserved. In addition, this alteration is predicted to be tolerated by in silico analysis. Based on the available evidence, the clinical significance of this variant remains unclear.

Labcorp Genetics (formerly Invitae), Labcorp
Classification: Uncertain significance for Baller-Gerold syndrome. Last evaluated: 2023-08-04. Review status: criteria provided, single submitter. Criteria: Invitae Variant Classification Sherloc (09022015). Collection method: clinical testing. Allele origin: germline.
Comment: This sequence change replaces lysine, which is basic and polar, with asparagine, which is neutral and polar, at codon 376 of the RECQL4 protein (p.Lys376Asn). This variant is present in population databases (rs764389677, gnomAD 0.007%). This variant has not been reported in the literature in individuals affected with RECQL4-related conditions. ClinVar contains an entry for this variant (Variation ID: 583011). Advanced modeling of protein sequence and biophysical properties (such as structural, functional, and spatial information, amino acid conservation, physicochemical variation, residue mobility, and thermodynamic stability) has been performed at Invitae for this missense variant, however the output from this modeling did not meet the statistical confidence thresholds required to predict the impact of this variant on RECQL4 protein function. In summary, the available evidence is currently insufficient to determine the role of this variant in disease. Therefore, it has been classified as a Variant of Uncertain Significance.

GeneDx
Classification: Uncertain significance. Last evaluated: 2022-12-16. Review status: criteria provided, single submitter. Criteria: GeneDx Variant Classification Process June 2021. Collection method: clinical testing. Allele origin: germline. Affected: yes.
Comment: In silico analysis supports that this missense variant has a deleterious effect on protein structure/function; Has not been previously published as pathogenic or benign to our knowledge

NM_004260.4(RECQL4):c.1128G>C (p.Lys376Asn)

Gene: RECQL4 (RecQ like helicase 4; minus strand). Cytogenetic location: 8q24.3.
Variant type: single nucleotide variant.
Coding change: c.1128G>C on transcript NM_004260.4 (MANE Select); coding-DNA position 1128, G replaced by C.
Protein change: p.Lys376Asn; replaces lysine 376 with asparagine.
Molecular consequence: missense variant.
Genome position (GRCh38, 1-based): chr8:144,515,991, C>G on the plus strand (G>C on the coding strand, the complement: RECQL4 is on the minus strand). VCF-style: chr8-144515991-C-G. GRCh37 (hg19) VCF-style: chr8-145741375-C-G.
Other names: short protein forms K376N.
Identifiers: ClinVar variation 583011 (VCV000583011.7), dbSNP rs764389677, ClinGen allele CA4949060.